The following is an entry in ClinVar:

NM_003356.4(UCP3):c.70G>T (p.Ala24Ser)

Gene: UCP3 (uncoupling protein 3; minus strand). Cytogenetic location: 11q13.4.
Variant type: single nucleotide variant.
Coding change: c.70G>T on transcript NM_003356.4 (MANE Select); coding-DNA position 70, G replaced by T.
Protein change: p.Ala24Ser; replaces alanine 24 with serine.
Molecular consequence: missense variant.
Genome position (GRCh38, 1-based): chr11:74,006,973, C>A on the plus strand (G>T on the coding strand, the complement: UCP3 is on the minus strand). VCF-style: chr11-74006973-C-A. GRCh37 (hg19) VCF-style: chr11-73718018-C-A.
Other names: c.70G>T, p.Ala24Ser (NM_022803.3); short protein forms A24S.
Identifiers: ClinVar variation 3345226 (VCV003345226.1).
Genomic context (GRCh38, chr11:74,006,973, plus strand): 5'-CTACCTGCAGGCGGACCTTGGCTGTGTCCAGTGGAAAGGTAACGAGGTCAGCAAAACAGG[C>A]TGCTGTGCCTGCCCCCAGGAACTTCACAGCCATGGTGGGAGGCACGTCTGAAGGCTTCAG-3'
Protein context (NP_003347.1, residues 14-34): AVKFLGAGTA[Ala24Ser]CFADLVTFPL

ClinVar aggregate classification (germline): Uncertain significance (0 of 4 stars; one submission).

Conditions:
UCP3-related disorder. Also called: UCP3-related condition.

Submission:

PreventionGenetics, part of Exact Sciences
Classification: Uncertain significance for UCP3-related condition. Last evaluated: 2024-06-12. Review status: no assertion criteria provided. Collection method: clinical testing. Allele origin: germline.
Comment: The UCP3 c.70G>T variant is predicted to result in the amino acid substitution p.Ala24Ser. To our knowledge, this variant has not been reported in the literature or in a large population database, indicating this variant is rare. At this time, the clinical significance of this variant is uncertain due to the absence of conclusive functional and genetic evidence.